The following is an entry in ClinVar:

NM_201384.3(PLEC):c.12597C>T (p.Ser4199=)

Gene: PLEC (plectin; minus strand). Cytogenetic location: 8q24.3.
Variant type: single nucleotide variant.
Coding change: c.12597C>T on transcript NM_201384.3 (MANE Select); coding-DNA position 12597, C replaced by T.
Protein change: p.Ser4199=; no amino-acid change (serine 4199 retained).
Molecular consequence: synonymous variant.
Genome position (GRCh38, 1-based): chr8:143,917,224, G>A on the plus strand (C>T on the coding strand, the complement: PLEC is on the minus strand). VCF-style: chr8-143917224-G-A. GRCh37 (hg19) VCF-style: chr8-144991392-G-A.
Other names: c.12678C>T, p.Ser4226= (NM_000445.5); c.12555C>T, p.Ser4185= (NM_201378.4); c.12531C>T, p.Ser4177= (NM_201379.3); c.13008C>T, p.Ser4336= (NM_201380.4); c.12501C>T, p.Ser4167= (NM_201381.3); c.12597C>T, p.Ser4199= (NM_201382.4); c.12609C>T, p.Ser4203= (NM_201383.3).
Identifiers: ClinVar variation 706110 (VCV000706110.36), dbSNP rs368889216, ClinGen allele CA4924041.

ClinVar aggregate classification (germline): Likely benign. Review status: criteria provided, multiple submitters, no conflicts (2 of 4 stars). 4 submissions from 4 submitters: Likely benign (4). Last evaluated 2025-02-25.

Conditions:
Epidermolysis bullosa simplex, Ogna type (EBS5A). Also called: Pidermolysis bullosa simplex 5A, Ogna type; EPIDERMOLYSIS BULLOSA SIMPLEX 5A, OGNA TYPE. Identifiers: Orphanet 79401, MedGen C0432317, MONDO:0007555, OMIM 131950.
Epidermolysis bullosa simplex 5C, with pyloric atresia (EBS5C). Also called: PLEC-Related Epidermolysis Bullosa with Pyloric Atresia; Epidermolysis bullosa simplex with pyloric atresia; PLEC1-Related Epidermolysis Bullosa with Pyloric Atresia. Identifiers: Orphanet 158684, MedGen C2677349, MONDO:0012807, OMIM 612138.
Epidermolysis bullosa simplex 5B, with muscular dystrophy (EBS5B). Also called: EPIDERMOLYSIS BULLOSA SIMPLEX AND LIMB-GIRDLE MUSCULAR DYSTROPHY; Epidermolysis bullosa simplex with muscular dystrophy. Identifiers: Orphanet 257, MedGen C2931072, MONDO:0009181, OMIM 226670.
Epidermolysis bullosa simplex with nail dystrophy (EBS5D). Identifiers: MedGen C4225309, MONDO:0014661, OMIM 616487.
Autosomal recessive limb-girdle muscular dystrophy type 2Q (LGMDR17). Also called: MUSCULAR DYSTROPHY, LIMB-GIRDLE, AUTOSOMAL RECESSIVE 17. Identifiers: Orphanet 254361, MedGen C3150989, MONDO:0013390, OMIM 613723.

Allele frequency attached by ClinVar (database versions not stated): ExAC 0.00002; gnomAD exomes 0.00003 and 0.00004; ESP Exome Variant Server 0.00008; gnomAD 0.00009 and 0.00010; TOPMed 0.00014; 1000 Genomes Project 0.00020; 1000 Genomes Project 30x 0.00031.
gnomAD v4.1: 63 of 1,612,930 alleles (0.0039%); highest among the groups gnomAD compares: Admixed American, 0.032%; no homozygotes.

Submissions (4):

Labcorp Genetics (formerly Invitae), Labcorp
Classification: Likely benign for Autosomal recessive limb-girdle muscular dystrophy type 2Q; Epidermolysis bullosa simplex, Ogna type; Epidermolysis bullosa simplex with nail dystrophy; Epidermolysis bullosa simplex 5C, with pyloric atresia; Epidermolysis bullosa simplex 5B, with muscular dystrophy. Last evaluated: 2025-02-25. Review status: criteria provided, single submitter. Criteria: Invitae Variant Classification Sherloc (09022015). Collection method: clinical testing. Allele origin: germline.

Blueprint Genetics
Classification: Likely benign. Last evaluated: 2024-09-10. Review status: criteria provided, single submitter. Criteria: ACMG Guidelines, 2015. Collection method: clinical testing. Allele origin: germline.

Women's Health and Genetics/Laboratory Corporation of America, LabCorp
Classification: Likely benign. Last evaluated: 2024-01-31. Review status: criteria provided, single submitter. Criteria: LabCorp Variant Classification Summary - May 2015. Collection method: clinical testing. Allele origin: germline.
Comment: Variant summary: PLEC1 c.12678C>T alters a conserved nucleotide resulting in a synonymous change. Consensus agreement among computation tools predict no significant impact on normal splicing. However, these predictions have yet to be confirmed by functional studies. The variant allele was found at a frequency of 3.9e-05 in 1612930 control chromosomes, predominantly at a frequency of 0.00032 within the Latino subpopulation in the gnomAD database v4. The available data on variant occurrences in the general population are insufficient to allow any conclusion about variant significance. To our knowledge, no occurrence of c.12678C>T in individuals affected with PLEC1-Related Disorders and no experimental evidence demonstrating its impact on protein function have been reported. ClinVar contains an entry for this variant (Variation ID: 706110). Based on the evidence outlined above, the variant was classified as likely benign.

CeGaT Center for Human Genetics Tuebingen
Classification: Likely benign. Last evaluated: 2022-10-01. Review status: criteria provided, single submitter. Criteria: CeGaT Center For Human Genetics Tuebingen Variant Classification Criteria Version 2. Collection method: clinical testing. Allele origin: germline. Affected: yes. Observed: 1 variant allele.
Comment: PLEC: BP4, BP7